The following is an entry in ClinVar:

NM_001367823.1(ARHGEF18):c.968-75G>C

Gene: ARHGEF18 (Rho/Rac guanine nucleotide exchange factor 18; plus strand). Cytogenetic location: 19p13.2.
Variant type: single nucleotide variant.
Coding change: c.968-75G>C on transcript NM_001367823.1 (MANE Select); 75 bases into the intron before coding-DNA position 968, G replaced by C.
Molecular consequence: intron variant. On other transcripts: missense variant (1), 5 prime UTR variant (1).
Genome position (GRCh38, 1-based): chr19:7,440,269, G>C. VCF-style: chr19-7440269-G-C. GRCh37 (hg19) VCF-style: chr19-7505155-G-C.
Other names: c.167G>C, p.Arg56Pro (NM_001130955.2); c.-146G>C (NM_001367824.1); c.-71-75G>C (NM_015318.4); short protein forms R56P.
Identifiers: ClinVar variation 955223 (VCV000955223.9), dbSNP rs368896153, ClinGen allele CA403094944.

ClinVar aggregate classification (germline): Uncertain significance (1 of 4 stars; one submission).

gnomAD v4.1: 11 of 1,560,372 alleles (0.0007%); highest among the groups gnomAD compares: East Asian, 0.019%; no homozygotes.

Submission:

Labcorp Genetics (formerly Invitae), Labcorp
Classification: Uncertain significance. Last evaluated: 2025-08-21. Review status: criteria provided, single submitter. Criteria: Invitae Variant Classification Sherloc (09022015). Collection method: clinical testing. Allele origin: germline.
Comment: This sequence change replaces arginine, which is basic and polar, with proline, which is neutral and non-polar, at codon 110 of the ARHGEF18 protein (p.Arg110Pro). This variant is present in population databases (no rsID available, gnomAD 0.02%). This variant has not been reported in the literature in individuals affected with ARHGEF18-related conditions. ClinVar contains an entry for this variant (Variation ID: 955223). An algorithm developed to predict the effect of missense changes on protein structure and function (PolyPhen-2) suggests that this variant is likely to be disruptive. In summary, the available evidence is currently insufficient to determine the role of this variant in disease. Therefore, it has been classified as a Variant of Uncertain Significance.